The following is an entry in ClinVar:

NM_001077446.4(TSEN34):c.*385A>C

Gene: TSEN34 (tRNA splicing endonuclease subunit 34; plus strand). Cytogenetic location: 19q13.42.
Variant type: single nucleotide variant.
Coding change: c.*385A>C on transcript NM_001077446.4 (MANE Select); 385 bases downstream of the stop codon, A replaced by C.
Molecular consequence: 3 prime UTR variant.
Genome position (GRCh38, 1-based): chr19:54,193,747, A>C. VCF-style: chr19-54193747-A-C. GRCh37 (hg19) VCF-style: chr19-54697602-G-C.
Other names: c.*385A>C (NM_001282332.2, NM_001386740.1, NM_024075.5); c.*76A>C (NM_001282333.2).
Identifiers: ClinVar variation 893530 (VCV000893530.4), dbSNP rs36622, ClinGen allele CA309377076.
Genomic context (GRCh38, chr19:54,193,747, plus strand): 5'-CAGTCCTGGAACCCGTGGATGGTCTCATCTGCATGTACAGGTGAGAAAAAGGCCTGGAGG[A>C]GGGGGACTGACTTGCCCAAAGTCACACACTTAGTAAATAGCAGGCCTGGCCTTTCAAAAT-3'

ClinVar aggregate classification (germline): Benign (1 of 4 stars; one submission).

Conditions:
Pontoneocerebellar hypoplasia. Also called: Pontocerebellar hypoplasia; Non-syndromic pontocerebellar hypoplasia. Identifiers: Orphanet 98523, MedGen C1261175, MONDO:0020135.

Allele frequency attached by ClinVar (database versions not stated): 1000 Genomes Project 0.00459; 1000 Genomes Project 30x 0.00500.
gnomAD v4.1: 1,255 of 712,390 alleles (0.18%); highest among the groups gnomAD compares: East Asian, 3.1%; 21 homozygotes.

Submission:

Illumina Laboratory Services, Illumina
Classification: Benign for Pontoneocerebellar hypoplasia. Last evaluated: 2018-01-12. Review status: criteria provided, single submitter. Criteria: ICSL Variant Classification Criteria 13 December 2019. Collection method: clinical testing. Allele origin: germline.
Comment: This variant was observed in the ICSL laboratory as part of a predisposition screen in an ostensibly healthy population. It had not been previously curated by ICSL or reported in the Human Gene Mutation Database (HGMD: prior to June 1st, 2018), and was therefore a candidate for classification through an automated scoring system. Utilizing variant allele frequency, disease prevalence and penetrance estimates, and inheritance mode, an automated score was calculated to assess if this variant is too frequent to cause the disease. Based on the score and internal cut-off values, a variant classified as benign is not then subjected to further curation. The score for this variant resulted in a classification of benign for this disease.